The following is an entry in ClinVar:

ClinVar aggregate classification (germline): Uncertain significance (1 of 4 stars; one submission).

Submission:

GeneDx
Classification: Uncertain significance. Last evaluated: 2024-05-16. Review status: criteria provided, single submitter. Criteria: GeneDx Variant Classification Process June 2021. Collection method: clinical testing. Allele origin: germline. Affected: yes.
Comment: Not observed at significant frequency in large population cohorts (gnomAD); In silico analysis indicates that this missense variant does not alter protein structure/function; Has not been previously published as pathogenic or benign to our knowledge

NM_000827.4(GRIA1):c.1493T>C (p.Val498Ala)

Gene: GRIA1 (glutamate ionotropic receptor AMPA type subunit 1; plus strand). Cytogenetic location: 5q33.2.
Variant type: single nucleotide variant.
Coding change: c.1493T>C on transcript NM_000827.4 (MANE Select); coding-DNA position 1493, T replaced by C.
Protein change: p.Val498Ala; replaces valine 498 with alanine.
Molecular consequence: missense variant. On other transcripts: non-coding transcript variant (2).
Genome position (GRCh38, 1-based): chr5:153,705,737, T>C. VCF-style: chr5-153705737-T-C. GRCh37 (hg19) VCF-style: chr5-153085297-T-C.
Other names: c.1493T>C, p.Val498Ala (NM_001114183.2); c.1253T>C, p.Val418Ala (NM_001258019.2); c.1208T>C, p.Val403Ala (NM_001258020.2); c.1523T>C, p.Val508Ala (NM_001258021.2, NM_001258022.2); c.1286T>C, p.Val429Ala (NM_001258023.1, NM_001364167.2); c.1325T>C, p.Val442Ala (NM_001364165.2); c.1520T>C, p.Val507Ala (NM_001364166.2); short protein forms V403A, V418A, V429A, V442A, V498A, V507A, V508A.
Identifiers: ClinVar variation 3377848 (VCV003377848.1).
Genomic context (GRCh38, chr5:153,705,737, plus strand): 5'-TTTTTTTTTTTTTTTTTCAGAGAGCAGATGTGGCTGTGGCTCCCTTAACTATCACTTTGG[T>C]CCGGGAAGAAGTTATAGATTTCTCCAAACCATTTATGAGTTTGGGGATCTCCATCATGAT-3'
Protein context (NP_000818.2, residues 488-508): VAVAPLTITL[Val498Ala]REEVIDFSKP